The following is an entry in ClinVar:

NM_000051.4(ATM):c.6562C>A (p.Leu2188Ile)

Genes: ATM (ATM serine/threonine kinase; plus strand), C11orf65 (chromosome 11 open reading frame 65; minus strand). Cytogenetic location: 11q22.3.
Variant type: single nucleotide variant.
Coding change: c.6562C>A on transcript NM_000051.4 (MANE Select); coding-DNA position 6562, C replaced by A.
Protein change: p.Leu2188Ile; replaces leucine 2188 with isoleucine.
Molecular consequence: missense variant. On other transcripts: intron variant (2).
Genome position (GRCh38, 1-based): chr11:108,321,410, C>A. VCF-style: chr11-108321410-C-A. GRCh37 (hg19) VCF-style: chr11-108192137-C-A.
Other names: c.6562C>A, p.Leu2188Ile (NM_001351834.2); c.641-12339G>T (NM_001330368.2); c.*39-12339G>T (NM_001351110.2); short protein forms L2188I.
Identifiers: ClinVar variation 407690 (VCV000407690.40), dbSNP rs1060501682, ClinGen allele CA16613188.

ClinVar aggregate classification (germline): Uncertain significance. Review status: criteria provided, multiple submitters, no conflicts (2 of 4 stars). 9 submissions from 9 submitters: Uncertain significance (6). 3 of the submissions do not count toward it. Last evaluated 2026-01-28.

Conditions:
ATM-related cancer predisposition. Also called: ATM-related cancer susceptibility. Identifiers: MedGen CN377759, MONDO:0700270.
Hereditary cancer-predisposing syndrome. Also called: Neoplastic Syndromes, Hereditary; Hereditary Cancer Syndrome; Tumor predisposition; Hereditary neoplastic syndrome. Identifiers: Orphanet 140162, MedGen C0027672, MeSH D009386, MONDO:0015356.
Ataxia-telangiectasia syndrome (AT). Also called: LOUIS-BAR SYNDROME; Cerebello-oculocutaneous telangiectasia; Immunodeficiency with ataxia telangiectasia; Ataxia-telangiectasia, complementation group D; AT, COMPLEMENTATION GROUP C; Ataxia-telangiectasia, complementation group E. Identifiers: Orphanet 100, MedGen C0004135, MONDO:0008840, OMIM 208900.

Allele frequency attached by ClinVar (database versions not stated): gnomAD exomes below 0.00001; TOPMed below 0.00001.
gnomAD v4.1: 5 of 1,614,066 alleles (0.00031%); highest among the groups gnomAD compares: Non-Finnish European, 0.00025%; no homozygotes.

Submissions (9):

Labcorp Genetics (formerly Invitae), Labcorp
Classification: Uncertain significance for Ataxia-telangiectasia syndrome. Last evaluated: 2026-01-28. Review status: criteria provided, single submitter. Criteria: Invitae Variant Classification Sherloc (09022015). Collection method: clinical testing. Allele origin: germline.
Comment: This sequence change replaces leucine, which is neutral and non-polar, with isoleucine, which is neutral and non-polar, at codon 2188 of the ATM protein (p.Leu2188Ile). This variant is not present in population databases (gnomAD no frequency). This variant has not been reported in the literature in individuals affected with ATM-related conditions. ClinVar contains an entry for this variant (Variation ID: 407690). Invitae Evidence Modeling of protein sequence and biophysical properties (such as structural, functional, and spatial information, amino acid conservation, physicochemical variation, residue mobility, and thermodynamic stability) indicates that this missense variant is not expected to disrupt ATM protein function with a negative predictive value of 95%. In summary, the available evidence is currently insufficient to determine the role of this variant in disease. Therefore, it has been classified as a Variant of Uncertain Significance.

Ambry Genetics
Classification: Uncertain significance for Hereditary cancer-predisposing syndrome. Last evaluated: 2025-08-04. Review status: criteria provided, single submitter. Criteria: Ambry Variant Classification Scheme 2023. Collection method: clinical testing. Allele origin: germline.
Comment: The p.L2188I variant (also known as c.6562C>A), located in coding exon 44 of the ATM gene, results from a C to A substitution at nucleotide position 6562. The leucine at codon 2188 is replaced by isoleucine, an amino acid with highly similar properties. This amino acid position is well conserved in available vertebrate species. In addition, this alteration is predicted to be tolerated by in silico analysis. Based on the available evidence, the clinical significance of this variant remains unclear.

Dasa
Classification: Uncertain significance for ATM-related cancer predisposition. Last evaluated: 2025-05-26. Review status: criteria provided, single submitter. Criteria: DASA Assertion Criteria. Collection method: clinical testing. Allele origin: germline.
Comment: NM_000051.4(ATM):c.6562C>A (p.Leu2188Ile) is a missense variant that results in the substitution of leucine with isoleucine. This variant is rare in population databases. Computational prediction algorithms are consistent with a benign effect. The currently available literature and clinical evidence are not sufficient to establish a definitive association between this variant and the reported condition. Therefore, this variant is classified as a variant of uncertain significance.

GeneDx
Classification: Uncertain significance. Last evaluated: 2024-02-05. Review status: criteria provided, single submitter. Criteria: GeneDx Variant Classification Process June 2021. Collection method: clinical testing. Allele origin: germline. Affected: yes.
Comment: Not observed at significant frequency in large population cohorts (gnomAD); In silico analysis supports that this missense variant does not alter protein structure/function; Has not been previously published as pathogenic or benign to our knowledge; This variant is associated with the following publications: (PMID: 35585550, 23532176)

Quest Diagnostics Nichols Institute San Juan Capistrano
Classification: Uncertain significance. Last evaluated: 2021-06-29. Review status: criteria provided, single submitter. Criteria: Quest Diagnostics criteria. Collection method: clinical testing. Allele origin: unknown.

Color Diagnostics, LLC DBA Color Health
Classification: Uncertain significance for Hereditary cancer-predisposing syndrome. Last evaluated: 2021-02-12. Review status: criteria provided, single submitter. Criteria: ACMG Guidelines, 2015. Collection method: clinical testing. Allele origin: germline.
Comment: This missense variant replaces leucine with isoleucine at codon 2188 of the ATM protein. Computational prediction suggests that this variant may not impact protein structure and function (internally defined REVEL score threshold <= 0.5, PMID: 27666373). To our knowledge, functional studies have not been reported for this variant. This variant has not been reported in individuals affected with hereditary cancer in the literature. This variant has not been identified in the general population by the Genome Aggregation Database (gnomAD). The available evidence is insufficient to determine the role of this variant in disease conclusively. Therefore, this variant is classified as a Variant of Uncertain Significance.

Natera, Inc.
Classification: Uncertain significance for Ataxia-telangiectasia. Last evaluated: 2021-04-20. Review status: no assertion criteria provided. Collection method: clinical testing. Allele origin: germline. Not counted in ClinVar's aggregate classification.

Clinical Genetics DNA and cytogenetics Diagnostics Lab, Erasmus MC, Erasmus Medical Center
Classification: Uncertain significance. Review status: no assertion criteria provided. Collection method: clinical testing. Allele origin: germline. Affected: yes. Study: VKGL Data-share Consensus. Not counted in ClinVar's aggregate classification.

Joint Genome Diagnostic Labs from Nijmegen and Maastricht, Radboudumc and MUMC+
Classification: Uncertain significance. Review status: no assertion criteria provided. Collection method: clinical testing. Allele origin: germline. Affected: yes. Study: VKGL Data-share Consensus. Not counted in ClinVar's aggregate classification.